The following is an entry in ClinVar:

NM_025103.4(IFT74):c.192A>T (p.Gln64His)

Gene: IFT74 (intraflagellar transport 74; plus strand). Cytogenetic location: 9p21.2.
Variant type: single nucleotide variant.
Coding change: c.192A>T on transcript NM_025103.4 (MANE Select); coding-DNA position 192, A replaced by T.
Protein change: p.Gln64His; replaces glutamine 64 with histidine.
Molecular consequence: missense variant.
Genome position (GRCh38, 1-based): chr9:26,978,199, A>T. VCF-style: chr9-26978199-A-T. GRCh37 (hg19) VCF-style: chr9-26978197-A-T.
Other names: c.192A>T, p.Gln64His (NM_001099222.3, NM_001099223.3, NM_001099224.3 and 1 more transcripts); short protein forms Q64H.
Identifiers: ClinVar variation 3358653 (VCV003358653.1).

ClinVar aggregate classification (germline): Uncertain significance (0 of 4 stars; one submission).

Conditions:
IFT74-related disorder. Also called: IFT74-related condition; IFT74-Related Disorders.

gnomAD v4.1: 13 of 1,613,598 alleles (0.00081%); highest among the groups gnomAD compares: Non-Finnish European, 0.0011%; no homozygotes.

Submission:

PreventionGenetics, part of Exact Sciences
Classification: Uncertain significance for IFT74-related condition. Last evaluated: 2024-01-31. Review status: no assertion criteria provided. Collection method: clinical testing. Allele origin: germline.
Comment: The IFT74 c.192A>T variant is predicted to result in the amino acid substitution p.Gln64His. To our knowledge, this variant has not been reported in the literature. This variant is reported in 0.00088% of alleles in individuals of European (Non-Finnish) descent in gnomAD. At this time, the clinical significance of this variant is uncertain due to the absence of conclusive functional and genetic evidence.